The following is an entry in ClinVar:

ClinVar aggregate classification (germline): Conflicting classifications of pathogenicity. Review status: criteria provided, conflicting classifications (1 of 4 stars). 2 submissions from 2 submitters: Uncertain significance (1); Likely benign (1). Last evaluated 2024-12-12.

Conditions:
Hereditary diffuse gastric adenocarcinoma (HDGC). Also called: DIFFUSE GASTRIC AND LOBULAR BREAST CANCER SYNDROME. Identifiers: Orphanet 26106, MedGen C1708349, MONDO:0007648, OMIM 137215.
Hereditary cancer-predisposing syndrome. Also called: Hereditary neoplastic syndrome; Tumor predisposition; Neoplastic Syndromes, Hereditary; Hereditary Cancer Syndrome. Identifiers: Orphanet 140162, MedGen C0027672, MeSH D009386, MONDO:0015356.

Submissions (2):

Ambry Genetics
Classification: Likely benign for Hereditary cancer-predisposing syndrome. Last evaluated: 2024-12-12. Review status: criteria provided, single submitter. Criteria: Ambry Variant Classification Scheme 2023. Collection method: clinical testing. Allele origin: germline.

Labcorp Genetics (formerly Invitae), Labcorp
Classification: Uncertain significance for Hereditary diffuse gastric adenocarcinoma. Last evaluated: 2022-08-30. Review status: criteria provided, single submitter. Criteria: Invitae Variant Classification Sherloc (09022015). Collection method: clinical testing. Allele origin: germline.
Comment: Algorithms developed to predict the effect of missense changes on protein structure and function output the following: SIFT: "Tolerated"; PolyPhen-2: "Benign"; Align-GVGD: "Class C0". The valine amino acid residue is found in multiple mammalian species, which suggests that this missense change does not adversely affect protein function. This variant has not been reported in the literature in individuals affected with CDH1-related conditions. This variant is not present in population databases (gnomAD no frequency). This sequence change replaces alanine, which is neutral and non-polar, with valine, which is neutral and non-polar, at codon 301 of the CDH1 protein (p.Ala301Val). In summary, the available evidence is currently insufficient to determine the role of this variant in disease. Therefore, it has been classified as a Variant of Uncertain Significance.

NM_004360.5(CDH1):c.902C>T (p.Ala301Val)

Gene: CDH1 (cadherin 1; plus strand). Cytogenetic location: 16q22.1.
Variant type: single nucleotide variant.
Coding change: c.902C>T on transcript NM_004360.5 (MANE Select); coding-DNA position 902, C replaced by T.
Protein change: p.Ala301Val; replaces alanine 301 with valine.
Molecular consequence: missense variant. On other transcripts: 5 prime UTR variant (2).
Genome position (GRCh38, 1-based): chr16:68,811,753, C>T. VCF-style: chr16-68811753-C-T. GRCh37 (hg19) VCF-style: chr16-68845656-C-T.
Other names: c.902C>T, p.Ala301Val (NM_001317184.2); c.-714C>T (NM_001317185.2); c.-918C>T (NM_001317186.2); short protein forms A301V.
Identifiers: ClinVar variation 1718398 (VCV001718398.7), dbSNP rs2543922408, ClinGen allele CA396459681.
Genomic context (GRCh38, chr16:68,811,753, plus strand): 5'-TGATGGAGGTCACAGCCACAGACGCGGACGATGATGTGAACACCTACAATGCCGCCATCG[C>T]TTACACCATCCTCAGCCAAGATCCTGAGCTCCCTGACAAAAATATGTTCACCATTAACAG-3'
Protein context (NP_004351.1, residues 291-311): DDVNTYNAAI[Ala301Val]YTILSQDPEL